The following is an entry in ClinVar:

ClinVar aggregate classification (germline): Uncertain significance (1 of 4 stars; one submission).

Submission:

Labcorp Genetics (formerly Invitae), Labcorp
Classification: Uncertain significance. Last evaluated: 2024-08-27. Review status: criteria provided, single submitter. Criteria: Invitae Variant Classification Sherloc (09022015). Collection method: clinical testing. Allele origin: germline.
Comment: This sequence change replaces tryptophan, which is neutral and slightly polar, with cysteine, which is neutral and slightly polar, at codon 2881 of the LRP2 protein (p.Trp2881Cys). This variant is not present in population databases (gnomAD no frequency). This variant has not been reported in the literature in individuals affected with LRP2-related conditions. Invitae Evidence Modeling of protein sequence and biophysical properties (such as structural, functional, and spatial information, amino acid conservation, physicochemical variation, residue mobility, and thermodynamic stability) indicates that this missense variant is not expected to disrupt LRP2 protein function with a negative predictive value of 80%. In summary, the available evidence is currently insufficient to determine the role of this variant in disease. Therefore, it has been classified as a Variant of Uncertain Significance.

NM_004525.3(LRP2):c.8643G>C (p.Trp2881Cys)

Gene: LRP2 (LDL receptor related protein 2; minus strand). Cytogenetic location: 2q31.1.
Variant type: single nucleotide variant.
Coding change: c.8643G>C on transcript NM_004525.3 (MANE Select); coding-DNA position 8643, G replaced by C.
Protein change: p.Trp2881Cys; replaces tryptophan 2881 with cysteine.
Molecular consequence: missense variant.
Genome position (GRCh38, 1-based): chr2:169,196,966, C>G on the plus strand (G>C on the coding strand, the complement: LRP2 is on the minus strand). VCF-style: chr2-169196966-C-G. GRCh37 (hg19) VCF-style: chr2-170053476-C-G.
Other names: short protein forms W2881C.
Identifiers: ClinVar variation 3655144 (VCV003655144.2).